The following is an entry in ClinVar:

ClinVar aggregate classification (germline): Uncertain significance. Review status: criteria provided, multiple submitters, no conflicts (2 of 4 stars). 2 submissions from 2 submitters: Uncertain significance (2). Last evaluated 2024-03-06.

Conditions:
Chondrodysplasia Blomstrand type (BOCD). Identifiers: Orphanet 50945, MedGen C1859148, MONDO:0008970, OMIM 215045.
Primary failure of tooth eruption. Also called: DENTAL NONERUPTION; PRIMARY RETENTION OF TEETH; UNERUPTED SECOND PRIMARY MOLAR; POSTERIOR OPENBITE MALOCCLUSION, FAMILIAL. Identifiers: Orphanet 412206, MedGen C1852222, MONDO:0007434, OMIM 125350.
Eiken syndrome (EKNS). Also called: BONE MODELING DEFECT OF HANDS AND FEET. Identifiers: Orphanet 79106, MedGen C1838779, MONDO:0010803, OMIM 600002.
Metaphyseal chondrodysplasia, Jansen type. Also called: PTH1R-Related Jansen Metaphyseal Chondrodysplasia; Metaphyseal chondrodysplasia Murk Jansen type. Identifiers: Orphanet 33067, MedGen C0265295, MONDO:0007982, OMIM 156400.

Allele frequency attached by ClinVar (database versions not stated): ExAC 0.00001; gnomAD exomes 0.00001.

Submissions (3):

Fulgent Genetics
Classification: Uncertain significance for Primary failure of tooth eruption; Metaphyseal chondrodysplasia, Jansen type; Chondrodysplasia Blomstrand type; Eiken syndrome. Last evaluated: 2024-03-06. Review status: criteria provided, single submitter. Criteria: ACMG Guidelines, 2015. Collection method: clinical testing. Allele origin: germline.

Labcorp Genetics (formerly Invitae), Labcorp
Classification: Uncertain significance. Last evaluated: 2023-01-31. Review status: criteria provided, single submitter. Criteria: Invitae Variant Classification Sherloc (09022015). Collection method: clinical testing. Allele origin: germline.
Comment: This sequence change replaces alanine, which is neutral and non-polar, with valine, which is neutral and non-polar, at codon 279 of the PTH1R protein (p.Ala279Val). This variant is present in population databases (rs769883740, gnomAD no frequency). This variant has not been reported in the literature in individuals affected with PTH1R-related conditions. Algorithms developed to predict the effect of missense changes on protein structure and function output the following: SIFT: "Tolerated"; PolyPhen-2: "Benign"; Align-GVGD: "Class C0". The valine amino acid residue is found in multiple mammalian species, which suggests that this missense change does not adversely affect protein function. In summary, the available evidence is currently insufficient to determine the role of this variant in disease. Therefore, it has been classified as a Variant of Uncertain Significance.

Dr. Peter K. Rogan Lab, Western University
No classification provided (evidence only). Condition: Thyroid cancer, nonmedullary, 1. Review status: no classification provided. Collection method: in vitro. Allele origin: not applicable. Functional consequence: skipped exon. Not counted in ClinVar's aggregate classification.

NM_000316.3(PTH1R):c.836C>T (p.Ala279Val)

Gene: PTH1R (parathyroid hormone 1 receptor; plus strand). Cytogenetic location: 3p21.31.
Variant type: single nucleotide variant.
Coding change: c.836C>T on transcript NM_000316.3 (MANE Select); coding-DNA position 836, C replaced by T.
Protein change: p.Ala279Val; replaces alanine 279 with valine.
Molecular consequence: missense variant.
Genome position (GRCh38, 1-based): chr3:46,899,304, C>T. VCF-style: chr3-46899304-C-T. GRCh37 (hg19) VCF-style: chr3-46940794-C-T.
Other names: c.836C>T, p.Ala279Val (NM_001184744.1); short protein forms A279V.
Identifiers: ClinVar variation 2767678 (VCV002767678.5), dbSNP rs769883740, ClinGen allele CA2359334.
Genomic context (GRCh38, chr3:46,899,304, plus strand): 5'-CAGCCCTGACTTCCCGGAGGCAGGCCCTGCCCTCTGACTAACACCAGCTGGTCTCTTAGG[C>T]GGGCTGCAGGGTGGCTGTGACCTTCTTCCTTTACTTCCTGGCCACCAACTACTACTGGAT-3'
Protein context (NP_000307.1, residues 269-289): PPPATAAAGY[Ala279Val]GCRVAVTFFL